The following is an entry in ClinVar:

ClinVar aggregate classification (germline): Likely benign (1 of 4 stars; one submission).

gnomAD v4.1: 4 of 1,614,194 alleles (0.00025%); highest among the groups gnomAD compares: Non-Finnish European, 0.00034%; no homozygotes.

Submission:

CeGaT Center for Human Genetics Tuebingen
Classification: Likely benign. Last evaluated: 2024-07-01. Review status: criteria provided, single submitter. Criteria: CeGaT Center For Human Genetics Tuebingen Variant Classification Criteria Version 2. Collection method: clinical testing. Allele origin: germline. Affected: yes. Observed: 1 variant allele.
Comment: SMARCC2: PM2:Supporting, BP4, BP7

NM_001330288.2(SMARCC2):c.1212A>C (p.Gly404=)

Gene: SMARCC2 (SWI/SNF related BAF chromatin remodeling complex subunit C2; minus strand). Cytogenetic location: 12q13.2.
Variant type: single nucleotide variant.
Coding change: c.1212A>C on transcript NM_001330288.2 (MANE Select); coding-DNA position 1212, A replaced by C.
Protein change: p.Gly404=; no amino-acid change (glycine 404 retained).
Molecular consequence: synonymous variant.
Genome position (GRCh38, 1-based): chr12:56,178,502, T>G on the plus strand (A>C on the coding strand, the complement: SMARCC2 is on the minus strand). VCF-style: chr12-56178502-T-G. GRCh37 (hg19) VCF-style: chr12-56572286-T-G.
Other names: c.1212A>C, p.Gly404= (NM_001130420.3, NM_003075.5, NM_139067.4).
Identifiers: ClinVar variation 3257608 (VCV003257608.17).
Genomic context (GRCh38, chr12:56,178,502, plus strand): 5'-GATGTGGTGGGTCTGTTCAGTCACATTGTCCTCATGCAGGTCTGGATTCTTGGTCTGCTC[T>G]CCCTTGTTCCCCGTACTGTTCTCATCCTCATCCTACGAGTATGGAGGCTGCTGGACACTC-3'
Protein context (NP_001317217.1, residues 394-414): DEDENSTGNK[Gly404=]EQTKNPDLHE